The following is an entry in ClinVar:

NM_025216.3(WNT10A):c.319T>A (p.Cys107Ser)

Gene: WNT10A (Wnt family member 10A; plus strand). Cytogenetic location: 2q35.
Variant type: single nucleotide variant.
Coding change: c.319T>A on transcript NM_025216.3 (MANE Select); coding-DNA position 319, T replaced by A.
Protein change: p.Cys107Ser; replaces cysteine 107 with serine.
Molecular consequence: missense variant.
Genome position (GRCh38, 1-based): chr2:218,882,366, T>A. VCF-style: chr2-218882366-T-A. GRCh37 (hg19) VCF-style: chr2-219747088-T-A.
Other names: short protein forms C107S.
Identifiers: ClinVar variation 3762631 (VCV003762631.2).

ClinVar aggregate classification (germline): Uncertain significance (1 of 4 stars; one submission).

Conditions:
Odonto-onycho-dermal dysplasia. Identifiers: Orphanet 2721, MedGen C0796093, MONDO:0009773, OMIM 257980.
Tooth agenesis, selective, 4 (STHAG4). Also called: SUCCEDANEOUS TEETH, AGENESIS OF; TOOTH AGENESIS, SELECTIVE, 4, WITH OR WITHOUT ECTODERMAL DYSPLASIA; LATERAL INCISORS, ABSENCE OF; LATERAL INCISORS, PEGGED OR MISSING. Identifiers: Orphanet 99798, MedGen C1835492, MONDO:0007881, OMIM 150400. Disease mechanism: loss of function.

gnomAD v4.1: 4 of 1,614,052 alleles (0.00025%); highest among the groups gnomAD compares: Non-Finnish European, 0.00034%; no homozygotes.

Submission:

Labcorp Genetics (formerly Invitae), Labcorp
Classification: Uncertain significance for Tooth agenesis, selective, 4; Odonto-onycho-dermal dysplasia. Last evaluated: 2024-02-29. Review status: criteria provided, single submitter. Criteria: Invitae Variant Classification Sherloc (09022015). Collection method: clinical testing. Allele origin: germline.
Comment: This sequence change replaces cysteine, which is neutral and slightly polar, with serine, which is neutral and polar, at codon 107 of the WNT10A protein (p.Cys107Ser). This variant is present in population databases (rs377510918, gnomAD 0.002%). This variant has not been reported in the literature in individuals affected with WNT10A-related conditions. Advanced modeling of protein sequence and biophysical properties (such as structural, functional, and spatial information, amino acid conservation, physicochemical variation, residue mobility, and thermodynamic stability) performed at Invitae indicates that this missense variant is expected to disrupt WNT10A protein function with a positive predictive value of 80%. In summary, the available evidence is currently insufficient to determine the role of this variant in disease. Therefore, it has been classified as a Variant of Uncertain Significance.